The following is an entry in ClinVar:

ClinVar aggregate classification (germline): Likely benign. Review status: criteria provided, multiple submitters, no conflicts (2 of 4 stars). 4 submissions from 4 submitters: Likely benign (3). 1 of the submissions does not count toward it. Last evaluated 2025-12-15.

Conditions:
COL11A2-related disorder. Also called: COL11A2-related condition; COL11A2-related disorders.

Allele frequency attached by ClinVar (database versions not stated): gnomAD 0.00002; gnomAD exomes 0.00002 and 0.00004; TOPMed 0.00002; ExAC 0.00004; ESP Exome Variant Server 0.00012.

Submissions (4):

Labcorp Genetics (formerly Invitae), Labcorp
Classification: Likely benign. Last evaluated: 2025-12-15. Review status: criteria provided, single submitter. Criteria: Invitae Variant Classification Sherloc (09022015). Collection method: clinical testing. Allele origin: germline.

Blueprint Genetics
Classification: Likely benign. Last evaluated: 2024-09-27. Review status: criteria provided, single submitter. Criteria: ACMG Guidelines, 2015. Collection method: clinical testing. Allele origin: germline.

GeneDx
Classification: Likely benign. Last evaluated: 2019-08-01. Review status: criteria provided, single submitter. Criteria: GeneDx Variant Classification Process June 2021. Collection method: clinical testing. Allele origin: germline. Affected: yes.

PreventionGenetics, part of Exact Sciences
Classification: Likely benign for COL11A2-related condition. Last evaluated: 2020-07-30. Review status: no assertion criteria provided. Collection method: clinical testing. Allele origin: germline. Not counted in ClinVar's aggregate classification.
Comment: This variant is classified as likely benign based on ACMG/AMP sequence variant interpretation guidelines (Richards et al. 2015 PMID: 25741868, with internal and published modifications).

NM_080680.3(COL11A2):c.5113C>T (p.Leu1705=)

Gene: COL11A2 (collagen type XI alpha 2 chain; minus strand). Cytogenetic location: 6p21.32.
Variant type: single nucleotide variant.
Coding change: c.5113C>T on transcript NM_080680.3 (MANE Select); coding-DNA position 5113, C replaced by T.
Protein change: p.Leu1705=; no amino-acid change (leucine 1705 retained).
Molecular consequence: synonymous variant.
Genome position (GRCh38, 1-based): chr6:33,163,776, G>A on the plus strand (C>T on the coding strand, the complement: COL11A2 is on the minus strand). VCF-style: chr6-33163776-G-A. GRCh37 (hg19) VCF-style: chr6-33131553-G-A.
Other names: c.4792C>T, p.Leu1598= (NM_080679.3); c.4855C>T, p.Leu1619= (NM_080681.3).
Identifiers: ClinVar variation 1217667 (VCV001217667.14), dbSNP rs367748056, ClinGen allele CA3749901.